The following is an entry in ClinVar:

ClinVar aggregate classification (germline): Uncertain significance (1 of 4 stars; one submission).

Conditions:
Arrhythmogenic cardiomyopathy with wooly hair and keratoderma. Also called: Dilated cardiomyopathy with woolly hair and keratoderma; PALMOPLANTAR KERATODERMA WITH LEFT VENTRICULAR CARDIOMYOPATHY AND WOOLLY HAIR; Carvajal syndrome; Arrhythmogenic cardiomyopathy with woolly hair and keratoderma. Identifiers: Orphanet 65282, MedGen C1854063, MONDO:0011581, OMIM 605676.
Arrhythmogenic right ventricular dysplasia 8 (ARVD8). Also called: Arrhythmogenic Right Ventricular Dysplasia/Cardiomyopathy 8; ARRHYTHMOGENIC RIGHT VENTRICULAR DYSPLASIA, FAMILIAL, 8; ARRHYTHMOGENIC RIGHT VENTRICULAR CARDIOMYOPATHY 8. Identifiers: MedGen C1843896, MONDO:0011831, OMIM 607450.

Allele frequency attached by ClinVar (database versions not stated): gnomAD exomes below 0.00001.
gnomAD v4.1: 1 of 1,614,070 alleles (0.000062%); highest among the groups gnomAD compares: Non-Finnish European, 0.000085%; no homozygotes.

Submission:

Labcorp Genetics (formerly Invitae), Labcorp
Classification: Uncertain significance for Arrhythmogenic cardiomyopathy with wooly hair and keratoderma; Arrhythmogenic right ventricular dysplasia 8. Last evaluated: 2022-11-07. Review status: criteria provided, single submitter. Criteria: Invitae Variant Classification Sherloc (09022015). Collection method: clinical testing. Allele origin: germline.
Comment: In summary, the available evidence is currently insufficient to determine the role of this variant in disease. Therefore, it has been classified as a Variant of Uncertain Significance. Algorithms developed to predict the effect of missense changes on protein structure and function are either unavailable or do not agree on the potential impact of this missense change (SIFT: "Tolerated"; PolyPhen-2: "Possibly Damaging"; Align-GVGD: "Class C0"). This variant has not been reported in the literature in individuals affected with DSP-related conditions. This variant is not present in population databases (gnomAD no frequency). This sequence change replaces tyrosine, which is neutral and polar, with cysteine, which is neutral and slightly polar, at codon 1199 of the DSP protein (p.Tyr1199Cys).

NM_004415.4(DSP):c.3596A>G (p.Tyr1199Cys)

Gene: DSP (desmoplakin; plus strand). Cytogenetic location: 6p24.3.
Variant type: single nucleotide variant.
Coding change: c.3596A>G on transcript NM_004415.4 (MANE Select); coding-DNA position 3596, A replaced by G.
Protein change: p.Tyr1199Cys; replaces tyrosine 1199 with cysteine.
Molecular consequence: missense variant. On other transcripts: intron variant (1).
Genome position (GRCh38, 1-based): chr6:7,579,786, A>G. VCF-style: chr6-7579786-A-G. GRCh37 (hg19) VCF-style: chr6-7580019-A-G.
Other names: c.3596A>G, p.Tyr1199Cys (NM_001319034.2); c.3582+14A>G (NM_001008844.3); short protein forms Y1199C.
Identifiers: ClinVar variation 2945803 (VCV002945803.3), dbSNP rs1759360616, ClinGen allele CA362684422.